The following is an entry in ClinVar:

NM_013275.6(ANKRD11):c.1325C>T (p.Pro442Leu)

Gene: ANKRD11 (ankyrin repeat domain containing 11; minus strand). Cytogenetic location: 16q24.3.
Variant type: single nucleotide variant.
Coding change: c.1325C>T on transcript NM_013275.6 (MANE Select); coding-DNA position 1325, C replaced by T.
Protein change: p.Pro442Leu; replaces proline 442 with leucine.
Molecular consequence: missense variant.
Genome position (GRCh38, 1-based): chr16:89,285,217, G>A on the plus strand (C>T on the coding strand, the complement: ANKRD11 is on the minus strand). VCF-style: chr16-89285217-G-A. GRCh37 (hg19) VCF-style: chr16-89351625-G-A.
Other names: c.1325C>T, p.Pro442Leu (NM_001256182.2, NM_001256183.2); short protein forms P442L.
Identifiers: ClinVar variation 4077323 (VCV004077323.1).

ClinVar aggregate classification (germline): Uncertain significance (1 of 4 stars; one submission).

Submission:

GeneDx
Classification: Uncertain significance. Last evaluated: 2025-03-01. Review status: criteria provided, single submitter. Criteria: GeneDx Variant Classification Process June 2021. Collection method: clinical testing. Allele origin: germline. Affected: yes.
Comment: Not observed at significant frequency in large population cohorts (gnomAD); In silico analysis indicates that this missense variant does not alter protein structure/function; Has not been previously published as pathogenic or benign to our knowledge